The following is an entry in ClinVar:

NM_002439.5(MSH3):c.2499C>A (p.Cys833Ter)

Gene: MSH3 (mutS homolog 3; plus strand). Cytogenetic location: 5q14.1.
Variant type: single nucleotide variant.
Coding change: c.2499C>A on transcript NM_002439.5 (MANE Select); coding-DNA position 2499, C replaced by A.
Protein change: p.Cys833Ter; replaces cysteine 833 with a stop codon.
Molecular consequence: nonsense.
Genome position (GRCh38, 1-based): chr5:80,787,628, C>A. VCF-style: chr5-80787628-C-A. GRCh37 (hg19) VCF-style: chr5-80083447-C-A.
Other names: short protein forms C833*.
Identifiers: ClinVar variation 2673507 (VCV002673507.1), dbSNP rs1744532481, ClinGen allele CA360283275.

ClinVar aggregate classification (germline): Pathogenic (1 of 4 stars; one submission).

Conditions:
Familial adenomatous polyposis 4 (FAP4). Also called: MSH3-related attenuated familial adenomatous polyposis. Identifiers: Orphanet 480536, MedGen C4310719, MONDO:0044300, OMIM 617100.

Submission:

Myriad Genetics, Inc.
Classification: Pathogenic for Familial adenomatous polyposis 4. Last evaluated: 2023-08-30. Review status: criteria provided, single submitter. Criteria: Myriad Autosomal Dominant, Autosomal Recessive and X-Linked Classification Criteria (2023). Collection method: clinical testing. Allele origin: unknown.
Comment: This variant is considered pathogenic. This variant creates a termination codon and is predicted to result in premature protein truncation.